The following is an entry in ClinVar:

NM_033380.3(COL4A5):c.4891C>A (p.Arg1631Ser)

Gene: COL4A5 (collagen type IV alpha 5 chain; plus strand). Cytogenetic location: Xq22.3.
Variant type: single nucleotide variant.
Coding change: c.4891C>A on transcript NM_033380.3 (MANE Select); coding-DNA position 4891, C replaced by A.
Protein change: p.Arg1631Ser; replaces arginine 1631 with serine.
Molecular consequence: missense variant.
Genome position (GRCh38, 1-based): chrX:108,695,336, C>A. VCF-style: chrX-108695336-C-A. GRCh37 (hg19) VCF-style: chrX-107938566-C-A.
Other names: c.4873C>A, p.Arg1625Ser (NM_000495.5); short protein forms R1631S, R1625S.
Identifiers: ClinVar variation 5000492 (VCV005000492.1).

ClinVar aggregate classification (germline): Uncertain significance (1 of 4 stars; one submission).

Conditions:
COL4A5-related disorder. Also called: COL4A5-related condition.

Submission:

PreventionGenetics, part of Exact Sciences
Classification: Uncertain significance for COL4A5-related condition. Last evaluated: 2025-06-03. Review status: criteria provided, single submitter. Criteria: ACMG Guidelines, 2015. Collection method: clinical testing. Allele origin: germline.
Comment: The COL4A5 c.4873C>A variant is predicted to result in the amino acid substitution p.Arg1625Ser. To our knowledge, this variant has not been reported in the literature or in a large population database (gnomAD), indicating this variant is rare. At this time, the clinical significance of this variant is uncertain due to the absence of conclusive functional and genetic evidence.